The following is an entry in ClinVar:

ClinVar aggregate classification (germline): Conflicting classifications of pathogenicity. Review status: criteria provided, conflicting classifications (1 of 4 stars). 5 submissions from 4 submitters: Uncertain significance (1); Benign (2); Likely benign (2). Last evaluated 2024-09-28.

Conditions:
Hereditary pulmonary alveolar proteinosis. Also called: Pulmonary surfactant metabolism dysfunction. Identifiers: Orphanet 264675, MedGen C3711368, MONDO:0012580.
Interstitial lung disease 2 (ILD2). Also called: Familial idiopathic pulmonary fibrosis; FIBROCYSTIC PULMONARY DYSPLASIA; FIBROSING ALVEOLITIS, CRYPTOGENIC. Identifiers: Orphanet 2032, Orphanet 79126, MedGen C5561926, MONDO:0800497, OMIM 178500, MONDO:0800029.
Surfactant metabolism dysfunction, pulmonary, 2 (SMDP2). Also called: DESQUAMATIVE INTERSTITIAL PNEUMONITIS DUE TO SURFACTANT PROTEIN C DEFICIENCY; INTERSTITIAL LUNG DISEASE DUE TO SURFACTANT PROTEIN C DEFICIENCY; PULMONARY ALVEOLAR PROTEINOSIS, CONGENITAL, 2. Identifiers: Orphanet 440392, MedGen C1970470, MONDO:0024465, OMIM 610913.

Allele frequency attached by ClinVar (database versions not stated): TOPMed 0.00059; 1000 Genomes Project 30x 0.00125; 1000 Genomes Project 0.00160.
gnomAD v4.1: 494 of 1,608,710 alleles (0.031%); highest among the groups gnomAD compares: East Asian, 0.84%; 1 homozygote.

Submissions (5):

Labcorp Genetics (formerly Invitae), Labcorp
Classification: Likely benign. Last evaluated: 2024-09-28. Review status: criteria provided, single submitter. Criteria: Invitae Variant Classification Sherloc (09022015). Collection method: clinical testing. Allele origin: germline.

Illumina Laboratory Services, Illumina
Classification: Benign for Idiopathic fibrosing alveolitis, chronic form. Last evaluated: 2018-01-13. Review status: criteria provided, single submitter. Criteria: ICSL Variant Classification Criteria 13 December 2019. Collection method: clinical testing. Allele origin: germline.
Comment: This variant was observed in the ICSL laboratory as part of a predisposition screen in an ostensibly healthy population. It had not been previously curated by ICSL or reported in the Human Gene Mutation Database (HGMD: prior to June 1st, 2018), and was therefore a candidate for classification through an automated scoring system. Utilizing variant allele frequency, disease prevalence and penetrance estimates, and inheritance mode, an automated score was calculated to assess if this variant is too frequent to cause the disease. Based on the score and internal cut-off values, a variant classified as benign is not then subjected to further curation. The score for this variant resulted in a classification of benign for this disease.

Illumina Laboratory Services, Illumina
Classification: Benign for Surfactant metabolism dysfunction, pulmonary, 2. Last evaluated: 2018-01-13. Review status: criteria provided, single submitter. Criteria: ICSL Variant Classification Criteria 13 December 2019. Collection method: clinical testing. Allele origin: germline.
Comment: the same text as in the submission from Illumina Laboratory Services, Illumina above.

Soonchunhyang University Bucheon Hospital, Soonchunhyang University Medical Center
Classification: Uncertain significance for Surfactant metabolism dysfunction, pulmonary, 2. Last evaluated: 2016-03-18. Review status: criteria provided, single submitter. Criteria: ACMG Guidelines, 2015. Collection method: reference population. Allele origin: germline. Observed: 2 variant alleles.

Ambry Genetics
Classification: Likely benign for Hereditary pulmonary alveolar proteinosis. Last evaluated: 2014-12-08. Review status: criteria provided, single submitter. Criteria: Ambry Variant Classification Scheme 2023. Collection method: clinical testing. Allele origin: germline.

Literature cited by the submitters: PubMed 19443464 (cited by Soonchunhyang University Bucheon Hospital, Soonchunhyang University Medical Center); PubMed 24347114 (cited by Ambry Genetics).

NM_001317778.2(SFTPC):c.115G>T (p.Val39Leu)

Gene: SFTPC (surfactant protein C; plus strand). Cytogenetic location: 8p21.3.
Variant type: single nucleotide variant.
Coding change: c.115G>T on transcript NM_001317778.2 (MANE Select); coding-DNA position 115, G replaced by T.
Protein change: p.Val39Leu; replaces valine 39 with leucine.
Molecular consequence: missense variant. On other transcripts: intron variant (1).
Genome position (GRCh38, 1-based): chr8:22,162,646, G>T. VCF-style: chr8-22162646-G-T. GRCh37 (hg19) VCF-style: chr8-22020159-G-T.
Other names: c.115G>T, p.Val39Leu (NM_001172357.2, NM_001172410.2, NM_001317780.2 and 1 more transcripts); c.43-434G>T (NM_001317779.2); short protein forms V39L.
Identifiers: ClinVar variation 225466 (VCV000225466.12), dbSNP rs183533911, ClinGen allele CA4663906.